The following is an entry in ClinVar:

ClinVar aggregate classification (germline): Uncertain significance. Review status: criteria provided, multiple submitters, no conflicts (2 of 4 stars). 2 submissions from 2 submitters: Uncertain significance (2). Last evaluated 2024-02-01.

Conditions:
Autosomal dominant Parkinson disease 8. Also called: LRRK2-Related Parkinson Disease; Parkinson disease 8; Parkinson disease 8, susceptibility to. Identifiers: Orphanet 411602, MedGen C1846862, MONDO:0011764, OMIM 607060.

Allele frequency attached by ClinVar (database versions not stated): gnomAD 0.00003; TOPMed 0.00003.
gnomAD v4.1: 19 of 1,613,890 alleles (0.0012%); highest among the groups gnomAD compares: Non-Finnish European, 0.001%; no homozygotes.

Submissions (2):

CeGaT Center for Human Genetics Tuebingen
Classification: Uncertain significance. Last evaluated: 2024-02-01. Review status: criteria provided, single submitter. Criteria: CeGaT Center For Human Genetics Tuebingen Variant Classification Criteria Version 2. Collection method: clinical testing. Allele origin: germline. Affected: yes. Observed: 2 variant alleles.
Comment: LRRK2: PM2:Supporting, PP4, BP4

Labcorp Genetics (formerly Invitae), Labcorp
Classification: Uncertain significance for Autosomal dominant Parkinson disease 8. Last evaluated: 2019-08-23. Review status: criteria provided, single submitter. Criteria: Invitae Variant Classification Sherloc (09022015). Collection method: clinical testing. Allele origin: germline.
Comment: This sequence change replaces glutamic acid with aspartic acid at codon 1011 of the LRRK2 protein (p.Glu1011Asp). The glutamic acid residue is moderately conserved and there is a small physicochemical difference between glutamic acid and aspartic acid. This variant is present in population databases (rs141252946, ExAC 0.002%). This variant has not been reported in the literature in individuals with LRRK2-related disease. Algorithms developed to predict the effect of missense changes on protein structure and function do not agree on the potential impact of this missense change (SIFT: "Tolerated"; PolyPhen-2: "Possibly Damaging"; Align-GVGD: "Class C0"). In summary, the available evidence is currently insufficient to determine the role of this variant in disease. Therefore, it has been classified as a Variant of Uncertain Significance.

NM_198578.4(LRRK2):c.3033G>T (p.Glu1011Asp)

Gene: LRRK2 (leucine rich repeat kinase 2; plus strand). Cytogenetic location: 12q12.
Variant type: single nucleotide variant.
Coding change: c.3033G>T on transcript NM_198578.4 (MANE Select); coding-DNA position 3033, G replaced by T.
Protein change: p.Glu1011Asp; replaces glutamic acid 1011 with aspartic acid.
Molecular consequence: missense variant.
Genome position (GRCh38, 1-based): chr12:40,295,581, G>T. VCF-style: chr12-40295581-G-T. GRCh37 (hg19) VCF-style: chr12-40689383-G-T.
Other names: short protein forms E1011D.
Identifiers: ClinVar variation 578792 (VCV000578792.38), dbSNP rs141252946, ClinGen allele CA6513811.